The following is an entry in ClinVar:

ClinVar aggregate classification (germline): Conflicting classifications of pathogenicity. Review status: criteria provided, conflicting classifications (1 of 4 stars). 2 submissions from 2 submitters: Uncertain significance (1); Likely benign (1). Last evaluated 2025-09-02.

Conditions:
NEXN-related disorder. Also called: NEXN-related disorders; NEXN-related condition.
Cardiovascular phenotype. Identifiers: MedGen CN230736.

gnomAD v4.1: 5 of 1,612,710 alleles (0.00031%); highest among the groups gnomAD compares: African/African-American, 0.004%; no homozygotes.

Submissions (2):

PreventionGenetics, part of Exact Sciences
Classification: Uncertain significance for NEXN-related condition. Last evaluated: 2025-09-02. Review status: criteria provided, single submitter. Criteria: ACMG Guidelines, 2015. Collection method: clinical testing. Allele origin: germline.
Comment: The NEXN c.1274T>C variant is predicted to result in the amino acid substitution p.Phe425Ser. To our knowledge, this variant has not been reported in the literature or in a large population database (gnomAD), indicating this variant is rare. At this time, the clinical significance of this variant is uncertain due to the absence of conclusive functional and genetic evidence.

Ambry Genetics
Classification: Likely benign for Cardiovascular phenotype. Last evaluated: 2025-07-07. Review status: criteria provided, single submitter. Criteria: Ambry Variant Classification Scheme 2023. Collection method: clinical testing. Allele origin: germline.

NM_144573.4(NEXN):c.1274T>C (p.Phe425Ser)

Gene: NEXN (nexilin F-actin binding protein; plus strand). Cytogenetic location: 1p31.1.
Variant type: single nucleotide variant.
Coding change: c.1274T>C on transcript NM_144573.4 (MANE Select); coding-DNA position 1274, T replaced by C.
Protein change: p.Phe425Ser; replaces phenylalanine 425 with serine.
Molecular consequence: missense variant.
Genome position (GRCh38, 1-based): chr1:77,935,845, T>C. VCF-style: chr1-77935845-T-C. GRCh37 (hg19) VCF-style: chr1-78401530-T-C.
Other names: c.1082T>C, p.Phe361Ser (NM_001172309.2); short protein forms F361S, F425S.
Identifiers: ClinVar variation 4119033 (VCV004119033.2).